The following is an entry in ClinVar:

NM_000455.5(STK11):c.599C>T (p.Ala200Val)

Gene: STK11 (serine/threonine kinase 11; plus strand). Cytogenetic location: 19p13.3.
Variant type: single nucleotide variant.
Coding change: c.599C>T on transcript NM_000455.5 (MANE Select); coding-DNA position 599, C replaced by T.
Protein change: p.Ala200Val; replaces alanine 200 with valine.
Molecular consequence: missense variant. On other transcripts: non-coding transcript variant (1).
Genome position (GRCh38, 1-based): chr19:1,220,582, C>T. VCF-style: chr19-1220582-C-T. GRCh37 (hg19) VCF-style: chr19-1220581-C-T.
Other names: c.599C>T, p.Ala200Val (NM_001407255.1); short protein forms A200V.
Identifiers: ClinVar variation 2994891 (VCV002994891.3), dbSNP rs876659254, ClinGen allele CA402949405.

ClinVar aggregate classification (germline): Uncertain significance (1 of 4 stars; one submission).

Conditions:
Peutz-Jeghers syndrome (PJS). Also called: POLYPOSIS, HAMARTOMATOUS INTESTINAL; POLYPS-AND-SPOTS SYNDROME; Peutz-Jeghers polyposis; Periorificial lentiginosis syndrome. Identifiers: Orphanet 2869, MedGen C0031269, MeSH D010580, MONDO:0008280, OMIM 175200.

Allele frequency attached by ClinVar (database versions not stated): gnomAD exomes below 0.00001.

Submission:

Labcorp Genetics (formerly Invitae), Labcorp
Classification: Uncertain significance for Peutz-Jeghers syndrome. Last evaluated: 2022-10-28. Review status: criteria provided, single submitter. Criteria: Invitae Variant Classification Sherloc (09022015). Collection method: clinical testing. Allele origin: germline.
Comment: In summary, the available evidence is currently insufficient to determine the role of this variant in disease. Therefore, it has been classified as a Variant of Uncertain Significance. Algorithms developed to predict the effect of missense changes on protein structure and function are either unavailable or do not agree on the potential impact of this missense change (SIFT: "Tolerated"; PolyPhen-2: "Possibly Damaging"; Align-GVGD: "Class C0"). This variant has not been reported in the literature in individuals affected with STK11-related conditions. This variant is not present in population databases (gnomAD no frequency). This sequence change replaces alanine, which is neutral and non-polar, with valine, which is neutral and non-polar, at codon 200 of the STK11 protein (p.Ala200Val).